The following is an entry in ClinVar:

NM_005732.4(RAD50):c.187G>A (p.Gly63Arg)

Gene: RAD50 (RAD50 double strand break repair protein; plus strand). Cytogenetic location: 5q31.1.
Variant type: single nucleotide variant.
Coding change: c.187G>A on transcript NM_005732.4 (MANE Select); coding-DNA position 187, G replaced by A.
Protein change: p.Gly63Arg; replaces glycine 63 with arginine.
Molecular consequence: missense variant.
Genome position (GRCh38, 1-based): chr5:132,559,341, G>A. VCF-style: chr5-132559341-G-A. GRCh37 (hg19) VCF-style: chr5-131895033-G-A.
Other names: short protein forms G63R.
Identifiers: ClinVar variation 663174 (VCV000663174.9), dbSNP rs1580976250, ClinGen allele CA360953603.

ClinVar aggregate classification (germline): Uncertain significance (1 of 4 stars; one submission).

Conditions:
Hereditary cancer-predisposing syndrome. Also called: Neoplastic Syndromes, Hereditary; Tumor predisposition; Hereditary neoplastic syndrome; Hereditary Cancer Syndrome. Identifiers: Orphanet 140162, MedGen C0027672, MeSH D009386, MONDO:0015356.

Allele frequency attached by ClinVar (database versions not stated): gnomAD exomes below 0.00001.
gnomAD v4.1: 1 of 1,608,612 alleles (0.000062%); highest among the groups gnomAD compares: Non-Finnish European, 0.000085%; no homozygotes.

Submission:

Labcorp Genetics (formerly Invitae), Labcorp
Classification: Uncertain significance for Hereditary cancer-predisposing syndrome. Last evaluated: 2025-11-17. Review status: criteria provided, single submitter. Criteria: Invitae Variant Classification Sherloc (09022015). Collection method: clinical testing. Allele origin: germline.
Comment: This sequence change replaces glycine, which is neutral and non-polar, with arginine, which is basic and polar, at codon 63 of the RAD50 protein (p.Gly63Arg). This variant is not present in population databases (gnomAD no frequency). This variant has not been reported in the literature in individuals affected with RAD50-related conditions. ClinVar contains an entry for this variant (Variation ID: 663174). Invitae Evidence Modeling of protein sequence and biophysical properties (such as structural, functional, and spatial information, amino acid conservation, physicochemical variation, residue mobility, and thermodynamic stability) indicates that this missense variant is expected to disrupt RAD50 protein function with a positive predictive value of 80%. In summary, the available evidence is currently insufficient to determine the role of this variant in disease. Therefore, it has been classified as a Variant of Uncertain Significance.